The following is an entry in ClinVar:

ClinVar aggregate classification (germline): Uncertain significance (1 of 4 stars; one submission).

Allele frequency attached by ClinVar (database versions not stated): gnomAD exomes below 0.00001.
gnomAD v4.1: 1 of 1,570,292 alleles (0.000064%); highest among the groups gnomAD compares: African/African-American, 0.0014%; no homozygotes.

Submission:

Labcorp Genetics (formerly Invitae), Labcorp
Classification: Uncertain significance. Last evaluated: 2024-11-18. Review status: criteria provided, single submitter. Criteria: Invitae Variant Classification Sherloc (09022015). Collection method: clinical testing. Allele origin: germline.
Comment: This sequence change replaces tryptophan, which is neutral and slightly polar, with glycine, which is neutral and non-polar, at codon 971 of the ZNF687 protein (p.Trp971Gly). This variant is not present in population databases (gnomAD no frequency). This variant has not been reported in the literature in individuals affected with ZNF687-related conditions. ClinVar contains an entry for this variant (Variation ID: 2764886). An algorithm developed to predict the effect of missense changes on protein structure and function (PolyPhen-2) suggests that this variant is likely to be disruptive. In summary, the available evidence is currently insufficient to determine the role of this variant in disease. Therefore, it has been classified as a Variant of Uncertain Significance.

NM_020832.3(ZNF687):c.2911T>G (p.Trp971Gly)

Gene: ZNF687 (zinc finger protein 687; plus strand). Cytogenetic location: 1q21.3.
Variant type: single nucleotide variant.
Coding change: c.2911T>G on transcript NM_020832.3 (MANE Select); coding-DNA position 2911, T replaced by G.
Protein change: p.Trp971Gly; replaces tryptophan 971 with glycine.
Molecular consequence: missense variant.
Genome position (GRCh38, 1-based): chr1:151,289,954, T>G. VCF-style: chr1-151289954-T-G. GRCh37 (hg19) VCF-style: chr1-151262430-T-G.
Other names: c.2911T>G, p.Trp971Gly (NM_001304763.2, NM_001304764.2); short protein forms W971G.
Identifiers: ClinVar variation 2764886 (VCV002764886.3), dbSNP rs2528535370, ClinGen allele CA341958085.